The following is an entry in ClinVar:

ClinVar aggregate classification (germline): Uncertain significance (1 of 4 stars; one submission).

Conditions:
Familial sleep-related hypermotor epilepsy. Also called: Autosomal Dominant Sleep-Related Hypermotor (Hyperkinetic) Epilepsy. Identifiers: Orphanet 98784, MedGen C3696898, MONDO:0000030.

Allele frequency attached by ClinVar (database versions not stated): ExAC 0.00003; gnomAD 0.00003; TOPMed 0.00003.
gnomAD v4.1: 82 of 1,552,588 alleles (0.0053%); highest among the groups gnomAD compares: Admixed American, 0.0081%; no homozygotes.

Submission:

Labcorp Genetics (formerly Invitae), Labcorp
Classification: Uncertain significance for Familial sleep-related hypermotor epilepsy. Last evaluated: 2024-03-15. Review status: criteria provided, single submitter. Criteria: Invitae Variant Classification Sherloc (09022015). Collection method: clinical testing. Allele origin: germline.
Comment: This sequence change replaces threonine, which is neutral and polar, with methionine, which is neutral and non-polar, at codon 33 of the PRIMA1 protein (p.Thr33Met). The frequency data for this variant in the population databases is considered unreliable, as metrics indicate poor data quality at this position in the gnomAD database. This variant has not been reported in the literature in individuals affected with PRIMA1-related conditions. ClinVar contains an entry for this variant (Variation ID: 1523644). An algorithm developed to predict the effect of missense changes on protein structure and function (PolyPhen-2) suggests that this variant is likely to be disruptive. In summary, the available evidence is currently insufficient to determine the role of this variant in disease. Therefore, it has been classified as a Variant of Uncertain Significance.

NM_178013.4(PRIMA1):c.98C>T (p.Thr33Met)

Gene: PRIMA1 (proline rich membrane anchor 1; minus strand). Cytogenetic location: 14q32.12.
Variant type: single nucleotide variant.
Coding change: c.98C>T on transcript NM_178013.4 (MANE Select); coding-DNA position 98, C replaced by T.
Protein change: p.Thr33Met; replaces threonine 33 with methionine.
Molecular consequence: missense variant.
Genome position (GRCh38, 1-based): chr14:93,779,307, G>A on the plus strand (C>T on the coding strand, the complement: PRIMA1 is on the minus strand). VCF-style: chr14-93779307-G-A. GRCh37 (hg19) VCF-style: chr14-94245653-G-A.
Other names: short protein forms T33M.
Identifiers: ClinVar variation 1523644 (VCV001523644.8), dbSNP rs760874562, ClinGen allele CA7323108.
Genomic context (GRCh38, chr14:93,779,307, plus strand): 5'-TGGCAGACGTGTCGGCAGCTGTCAGTCACTTTGGAGCAGGACTTCTGGGGCTCACCATGC[G>A]TCACCTGTACACATGGGCACACGTACCCAAGAGAGAGAGAAGACCATAAGGCAACTAGAA-3'
Protein context (NP_821092.1, residues 23-43): LHPLWGFVQV[Thr33Met]HGEPQKSCSK